The following is an entry in ClinVar:

ClinVar aggregate classification (germline): Conflicting classifications of pathogenicity. Review status: criteria provided, conflicting classifications (1 of 4 stars). 4 submissions from 4 submitters: Uncertain significance (3); Likely benign (1). Last evaluated 2024-07-05.

Conditions:
Hereditary cancer-predisposing syndrome. Also called: Neoplastic Syndromes, Hereditary; Tumor predisposition; Hereditary neoplastic syndrome; Hereditary Cancer Syndrome. Identifiers: Orphanet 140162, MedGen C0027672, MeSH D009386, MONDO:0015356.

Submissions (4):

GeneDx
Classification: Uncertain significance. Last evaluated: 2024-07-05. Review status: criteria provided, single submitter. Criteria: GeneDx Variant Classification Process June 2021. Collection method: clinical testing. Allele origin: germline. Affected: yes.
Comment: Not observed at significant frequency in large population cohorts (gnomAD); In silico analysis indicates that this missense variant does not alter protein structure/function; Has not been previously published as pathogenic or benign to our knowledge; Also known as 5048T>C; This variant is associated with the following publications: (PMID: 31911673)

University of Washington Department of Laboratory Medicine, University of Washington
Classification: Likely benign for Hereditary cancer-predisposing syndrome. Last evaluated: 2023-03-23. Review status: criteria provided, single submitter. Criteria: Dines et al. (Genet Med. 2020). Collection method: curation. Allele origin: germline.
Comment: Missense variant in a coldspot region where missense variants are very unlikely to be pathogenic (PMID:31911673).

BRCA2 exon 11 coldspot. Reclassification based on statistical prior probability.

Sema4
Classification: Uncertain significance for Hereditary cancer-predisposing syndrome. Last evaluated: 2021-11-04. Review status: criteria provided, single submitter. Criteria: Sema4 Curation Guidelines. Collection method: curation. Allele origin: germline.
Comment: To the best of our knowledge, the BRCA2 c.4820T>C (p.I1607T) variant has not been reported in individuals with BRCA2-related disease. It was not observed in the large and broad cohorts of the Genome Aggregation Database (PMID: 32461654). The variant has been reported in ClinVar (Variation ID 630075). Functional studies have not been performed, and in silico predictions of the variant's effect on protein function are inconclusive. The evidence is insufficient to meet ACMG/AMP criteria for classifying the variant as benign or pathogenic. Thus, the clinical significance of this variant is currently uncertain.

Color Diagnostics, LLC DBA Color Health
Classification: Uncertain significance for Hereditary cancer-predisposing syndrome. Last evaluated: 2019-06-02. Review status: criteria provided, single submitter. Criteria: ACMG Guidelines, 2015. Collection method: clinical testing. Allele origin: germline.

NM_000059.4(BRCA2):c.4820T>C (p.Ile1607Thr)

Gene: BRCA2 (BRCA2 DNA repair associated; plus strand). Cytogenetic location: 13q13.1.
Variant type: single nucleotide variant.
Coding change: c.4820T>C on transcript NM_000059.4 (MANE Select); coding-DNA position 4820, T replaced by C.
Protein change: p.Ile1607Thr; replaces isoleucine 1607 with threonine.
Molecular consequence: missense variant.
Genome position (GRCh38, 1-based): chr13:32,339,175, T>C. VCF-style: chr13-32339175-T-C. GRCh37 (hg19) VCF-style: chr13-32913312-T-C.
Other names: short protein forms I1607T.
Identifiers: ClinVar variation 630075 (VCV000630075.7), dbSNP rs1566231183, ClinGen allele CA387783295.